The following is an entry in ClinVar:

NM_020791.4(TAOK1):c.2544+3A>G

Gene: TAOK1 (TAO kinase 1; plus strand). Cytogenetic location: 17q11.2.
Variant type: single nucleotide variant.
Coding change: c.2544+3A>G on transcript NM_020791.4 (MANE Select); 3 bases into the intron after coding-DNA position 2544, A replaced by G.
Molecular consequence: intron variant.
Genome position (GRCh38, 1-based): chr17:29,534,303, A>G. VCF-style: chr17-29534303-A-G. GRCh37 (hg19) VCF-style: chr17-27861321-A-G.
Other names: c.2544+3A>G (NM_020791.2); c.2100+3A>G (NM_025142.1).
Identifiers: ClinVar variation 3382722 (VCV003382722.3).

ClinVar aggregate classification (germline): Uncertain significance. Review status: criteria provided, multiple submitters, no conflicts (2 of 4 stars). 2 submissions from 2 submitters: Uncertain significance (2). Last evaluated 2025-11-18.

Conditions:
Inborn genetic diseases. Identifiers: MedGen C0950123, MeSH D030342.
Developmental delay with or without intellectual impairment or behavioral abnormalities. Identifiers: MedGen C5562004, MONDO:0859199, OMIM 619575.

gnomAD v4.1: 1 of 1,554,758 alleles (0.000064%); highest among the groups gnomAD compares: Non-Finnish European, 0.000087%; no homozygotes.

Submissions (2):

Ambry Genetics
Classification: Uncertain significance for Inborn genetic diseases. Last evaluated: 2025-11-18. Review status: criteria provided, single submitter. Criteria: Ambry Variant Classification Scheme 2023. Collection method: clinical testing. Allele origin: germline.
Comment: The c.2544+3A>G intronic alteration consists of an A to G substitution 3 nucleotides after exon 19 (coding exon 18) of the TAOK1 gene. The Genome Aggregation Database (gnomAD) data for this variant is unreliable due to technical and/or biological issues; therefore, population frequency estimates were not considered. This nucleotide position is highly conserved in available vertebrate species. In silico splice site analysis predicts that this alteration will result in the creation or strengthening of a novel splice donor site. Based on insufficient or conflicting evidence, the clinical significance of this alteration remains unclear.

Juno Genomics, Hangzhou Juno Genomics, Inc
Classification: Uncertain significance for Developmental delay with or without intellectual impairment or behavioral abnormalities. Review status: criteria provided, single submitter. Criteria: ACMG Guidelines, 2015. Collection method: clinical testing. Allele origin: germline. Affected: yes.
Comment: Absent from controls (or at extremely low frequency if recessive) in Genome Aggregation Database, Exome Sequencing Project, 1000 Genomes Project, or Exome Aggregation Consortium.;Multiple lines of computational evidence support a deleterious effect on the gene or gene product (conservation, evolutionary, splicing impact, etc).;De novo (both maternity and paternity confirmed) in a patient with the disease and no family history.